The following is an entry in ClinVar:

NM_003611.3(OFD1):c.1502A>C (p.Glu501Ala)

Gene: OFD1 (OFD1 centriole and centriolar satellite protein; plus strand). Cytogenetic location: Xp22.2.
Variant type: single nucleotide variant.
Coding change: c.1502A>C on transcript NM_003611.3 (MANE Select); coding-DNA position 1502, A replaced by C.
Protein change: p.Glu501Ala; replaces glutamic acid 501 with alanine.
Molecular consequence: missense variant.
Genome position (GRCh38, 1-based): chrX:13,757,750, A>C. VCF-style: chrX-13757750-A-C. GRCh37 (hg19) VCF-style: chrX-13775869-A-C.
Other names: c.1382A>C, p.Glu461Ala (NM_001330209.2); c.1082A>C, p.Glu361Ala (NM_001330210.2); short protein forms E361A, E501A, E461A.
Identifiers: ClinVar variation 1516817 (VCV001516817.8), dbSNP rs2147032914, ClinGen allele CA412343161.

ClinVar aggregate classification (germline): Uncertain significance (1 of 4 stars; one submission).

Conditions:
Joubert syndrome. Also called: CEREBELLOPARENCHYMAL DISORDER IV; JOUBERT-BOLTSHAUSER SYNDROME; Familial aplasia of the vermis. Identifiers: Orphanet 475, MedGen C5979921, MONDO:0018772.
Orofaciodigital syndrome I (OFD1). Also called: OFDS I; Papillon-Leage and Psaume Syndrome; Oral-Facial-Digital Syndrome Type I. Identifiers: Orphanet 2750, MedGen C1510460, MONDO:0010702, OMIM 311200.

Submission:

Labcorp Genetics (formerly Invitae), Labcorp
Classification: Uncertain significance for Orofaciodigital syndrome I; Joubert syndrome. Last evaluated: 2022-10-18. Review status: criteria provided, single submitter. Criteria: Invitae Variant Classification Sherloc (09022015). Collection method: clinical testing. Allele origin: germline.
Comment: This sequence change replaces glutamic acid, which is acidic and polar, with alanine, which is neutral and non-polar, at codon 501 of the OFD1 protein (p.Glu501Ala). This variant is not present in population databases (gnomAD no frequency). This variant has not been reported in the literature in individuals affected with OFD1-related conditions. ClinVar contains an entry for this variant (Variation ID: 1516817). Advanced modeling of protein sequence and biophysical properties (such as structural, functional, and spatial information, amino acid conservation, physicochemical variation, residue mobility, and thermodynamic stability) performed at Invitae indicates that this missense variant is not expected to disrupt OFD1 protein function. In summary, the available evidence is currently insufficient to determine the role of this variant in disease. Therefore, it has been classified as a Variant of Uncertain Significance.